The following is an entry in ClinVar:

ClinVar aggregate classification (germline): Pathogenic. Review status: criteria provided, multiple submitters, no conflicts (2 of 4 stars). 2 submissions from 2 submitters: Pathogenic (2). Last evaluated 2026-05-21.

Conditions:
Epilepsy, familial adult myoclonic, 5 (EPEO5). Also called: CORTICAL MYOCLONIC TREMOR WITH EPILEPSY, FAMILIAL, 5. Identifiers: Orphanet 86814, MedGen C3809374, MONDO:0014167, OMIM 615400.

Submissions (2):

Women's Health and Genetics/Laboratory Corporation of America, LabCorp
Classification: Pathogenic for Epilepsy, familial adult myoclonic, 5. Last evaluated: 2026-05-21. Review status: criteria provided, single submitter. Criteria: LabCorp Variant Classification Summary - May 2015. Collection method: clinical testing. Allele origin: germline.
Comment: Variant summary: CNTN2 c.159_160delinsTT (p.Glu54X) results in a premature termination codon, predicted to cause a truncation of the encoded protein or absence of the protein due to nonsense mediated decay, which are commonly known mechanisms for disease. Loss-of-function variants in this gene are known to be pathogenic. The variant was absent in 251016 control chromosomes. To our knowledge, no occurrence of c.159_160delinsTT in individuals affected with CNTN2-related conditions and no experimental evidence demonstrating its impact on protein function have been reported. ClinVar contains an entry for this variant (Variation ID: 2888349). Based on the evidence outlined above, the variant was classified as pathogenic.

Labcorp Genetics (formerly Invitae), Labcorp
Classification: Pathogenic for Epilepsy, familial adult myoclonic, 5. Last evaluated: 2025-04-11. Review status: criteria provided, single submitter. Criteria: Invitae Variant Classification Sherloc (09022015). Collection method: clinical testing. Allele origin: germline.
Comment: This sequence change creates a premature translational stop signal (p.Glu54*) in the CNTN2 gene. It is expected to result in an absent or disrupted protein product. Loss-of-function variants in CNTN2 are known to be pathogenic (PMID: 11178983, 23518707). Information on the frequency of this variant in the gnomAD database is not available, as this variant may be reported differently in the database. This variant has not been reported in the literature in individuals affected with CNTN2-related conditions. ClinVar contains an entry for this variant (Variation ID: 2888349). For these reasons, this variant has been classified as Pathogenic.

Literature cited by the submitters: PubMed 11178983 (cited by Labcorp Genetics (formerly Invitae), Labcorp); PubMed 23518707 (cited by Labcorp Genetics (formerly Invitae), Labcorp).

NM_005076.5(CNTN2):c.159_160delinsTT (p.Glu54Ter)

Gene: CNTN2 (contactin 2; plus strand). Cytogenetic location: 1q32.1.
Variant type: Indel.
Coding change: c.159_160delinsTT on transcript NM_005076.5 (MANE Select); coding-DNA positions 159 to 160, GG replaced by TT.
Protein change: p.Glu54Ter; replaces glutamic acid 54 with a stop codon.
Molecular consequence: nonsense. On other transcripts: non-coding transcript variant (1).
Genome position (GRCh38, 1-based): chr1:205,058,009-205,058,010, GG replaced by TT. VCF-style: chr1-205058009-GG-TT. GRCh37 (hg19) VCF-style: chr1-205027137-GG-TT.
Other names: c.159_160delinsTT, p.Glu54Ter (NM_001346083.2); short protein forms E54*.
Identifiers: ClinVar variation 2888349 (VCV002888349.4), dbSNP rs2526345779, ClinGen allele CA2739275545.